The following is an entry in ClinVar:

NM_006766.5(KAT6A):c.3395A>G (p.Asp1132Gly)

Gene: KAT6A (lysine acetyltransferase 6A; minus strand). Cytogenetic location: 8p11.21.
Variant type: single nucleotide variant.
Coding change: c.3395A>G on transcript NM_006766.5 (MANE Select); coding-DNA position 3395, A replaced by G.
Protein change: p.Asp1132Gly; replaces aspartic acid 1132 with glycine.
Molecular consequence: missense variant.
Genome position (GRCh38, 1-based): chr8:41,934,825, T>C on the plus strand (A>G on the coding strand, the complement: KAT6A is on the minus strand). VCF-style: chr8-41934825-T-C. GRCh37 (hg19) VCF-style: chr8-41792343-T-C.
Other names: c.3395A>G (NM_006766.3); short protein forms D1132G.
Identifiers: ClinVar variation 1942887 (VCV001942887.26), dbSNP rs774099938, ClinGen allele CA371069247.

ClinVar aggregate classification (germline): Conflicting classifications of pathogenicity. Review status: criteria provided, conflicting classifications (1 of 4 stars). 3 submissions from 3 submitters: Uncertain significance (1); Benign (1); Likely benign (1). Last evaluated 2026-01-01.

Conditions:
Inborn genetic diseases. Identifiers: MedGen C0950123, MeSH D030342.

Allele frequency attached by ClinVar (database versions not stated): gnomAD exomes 0.00002.
gnomAD v4.1: 21 of 1,612,844 alleles (0.0013%); highest among the groups gnomAD compares: Non-Finnish European, 0.0018%; no homozygotes.

Submissions (3):

CeGaT Center for Human Genetics Tuebingen
Classification: Likely benign. Last evaluated: 2026-01-01. Review status: criteria provided, single submitter. Criteria: CeGaT Center For Human Genetics Tuebingen Variant Classification Criteria Version 2. Collection method: clinical testing. Allele origin: germline. Affected: yes. Observed: 2 variant alleles.
Comment: KAT6A: BP4, BS2

Ambry Genetics
Classification: Uncertain significance for Inborn genetic diseases. Last evaluated: 2025-12-10. Review status: criteria provided, single submitter. Criteria: Ambry Variant Classification Scheme 2023. Collection method: clinical testing. Allele origin: germline.

Labcorp Genetics (formerly Invitae), Labcorp
Classification: Benign. Last evaluated: 2023-10-05. Review status: criteria provided, single submitter. Criteria: Invitae Variant Classification Sherloc (09022015). Collection method: clinical testing. Allele origin: germline.